The following is an entry in ClinVar:

ClinVar aggregate classification (germline): Likely benign (1 of 4 stars; one submission).

Submission:

CeGaT Center for Human Genetics Tuebingen
Classification: Likely benign. Last evaluated: 2026-05-01. Review status: criteria provided, single submitter. Criteria: CeGaT Center For Human Genetics Tuebingen Variant Classification Criteria Version 2. Collection method: clinical testing. Allele origin: germline. Affected: yes. Observed: 1 variant allele.
Comment: GRIN2B: PP3, BS2

NM_000834.5(GRIN2B):c.559C>T (p.Arg187Cys)

Gene: GRIN2B (glutamate ionotropic receptor NMDA type subunit 2B; minus strand). Cytogenetic location: 12p13.1.
Variant type: single nucleotide variant.
Coding change: c.559C>T on transcript NM_000834.5 (MANE Select); coding-DNA position 559, C replaced by T.
Protein change: p.Arg187Cys; replaces arginine 187 with cysteine.
Molecular consequence: missense variant.
Genome position (GRCh38, 1-based): chr12:13,753,768, G>A on the plus strand (C>T on the coding strand, the complement: GRIN2B is on the minus strand). VCF-style: chr12-13753768-G-A. GRCh37 (hg19) VCF-style: chr12-13906702-G-A.
Other names: c.559C>T, p.Arg187Cys (NM_001413992.1, NM_001413993.1, NM_001413994.1 and 1 more transcripts); short protein forms R187C.
Identifiers: ClinVar variation 4873715 (VCV004873715.2).